The following is an entry in ClinVar:

NM_182760.4(SUMF1):c.444+3A>G

Gene: SUMF1 (sulfatase modifying factor 1; minus strand). Cytogenetic location: 3p26.1.
Variant type: single nucleotide variant.
Coding change: c.444+3A>G on transcript NM_182760.4 (MANE Select); 3 bases into the intron after coding-DNA position 444, A replaced by G.
Molecular consequence: intron variant.
Genome position (GRCh38, 1-based): chr3:4,452,873, T>C on the plus strand (A>G on the coding strand, the complement: SUMF1 is on the minus strand). VCF-style: chr3-4452873-T-C. GRCh37 (hg19) VCF-style: chr3-4494557-T-C.
Other names: c.444+3A>G (NM_001164674.2, NM_001164675.2).
Identifiers: ClinVar variation 1470172 (VCV001470172.6), dbSNP rs756510150, ClinGen allele CA2230618.

ClinVar aggregate classification (germline): Uncertain significance (1 of 4 stars; one submission).

Conditions:
Multiple sulfatase deficiency (MSD). Also called: Mucosulfatidosis; Multiple Sulfatase Deficiency Disease; Sulfatidosis, Juvenile, Austin Type. Identifiers: Orphanet 585, MedGen C0268263, MONDO:0010088, OMIM 272200.

Allele frequency attached by ClinVar (database versions not stated): ExAC 0.00001; gnomAD exomes 0.00001.
gnomAD v4.1: 4 of 1,614,170 alleles (0.00025%); highest among the groups gnomAD compares: Non-Finnish European, 0.00017%; no homozygotes.

Submission:

Labcorp Genetics (formerly Invitae), Labcorp
Classification: Uncertain significance for Multiple sulfatase deficiency. Last evaluated: 2021-12-02. Review status: criteria provided, single submitter. Criteria: Invitae Variant Classification Sherloc (09022015). Collection method: clinical testing. Allele origin: germline.
Comment: This sequence change falls in intron 2 of the SUMF1 gene. It does not directly change the encoded amino acid sequence of the SUMF1 protein. It affects a nucleotide within the consensus splice site. This variant is present in population databases (rs756510150, gnomAD 0.004%). This variant has not been reported in the literature in individuals affected with SUMF1-related conditions. Variants that disrupt the consensus splice site are a relatively common cause of aberrant splicing (PMID: 17576681, 9536098). Algorithms developed to predict the effect of sequence changes on RNA splicing suggest that this variant may disrupt the consensus splice site. In summary, the available evidence is currently insufficient to determine the role of this variant in disease. Therefore, it has been classified as a Variant of Uncertain Significance.

Literature cited by the submitters: PubMed 17576681; PubMed 9536098.